The following is an entry in ClinVar:

ClinVar aggregate classification (germline): Uncertain significance (1 of 4 stars; one submission).

Conditions:
Mosaic variegated aneuploidy syndrome 2 (MVA2). Identifiers: Orphanet 1052, MedGen C3279843, MONDO:0013582, OMIM 614114.

Allele frequency attached by ClinVar (database versions not stated): ExAC 0.00001; gnomAD 0.00001; gnomAD exomes 0.00001; 1000 Genomes Project 30x 0.00016; 1000 Genomes Project 0.00020.
gnomAD v4.1: 1 of 1,611,796 alleles (0.000062%); highest among the groups gnomAD compares: East Asian, 0.0022%; no homozygotes.

Submission:

Labcorp Genetics (formerly Invitae), Labcorp
Classification: Uncertain significance for Mosaic variegated aneuploidy syndrome 2. Last evaluated: 2021-09-01. Review status: criteria provided, single submitter. Criteria: Invitae Variant Classification Sherloc (09022015). Collection method: clinical testing. Allele origin: germline.
Comment: This sequence change falls in intron 3 of the CEP57 gene. It does not directly change the encoded amino acid sequence of the CEP57 protein. It affects a nucleotide within the consensus splice site of the intron. This variant is present in population databases (rs572758334, ExAC 0.01%). This variant has not been reported in the literature in individuals affected with CEP57-related conditions. Variants that disrupt the consensus splice site are a relatively common cause of aberrant splicing (PMID: 17576681, 9536098). Algorithms developed to predict the effect of sequence changes on RNA splicing suggest that this variant is not likely to affect RNA splicing. In summary, the available evidence is currently insufficient to determine the role of this variant in disease. Therefore, it has been classified as a Variant of Uncertain Significance.

Literature cited by the submitters: PubMed 17576681; PubMed 9536098.

NM_014679.5(CEP57):c.382+4T>C

Gene: CEP57 (centrosomal protein 57; plus strand). Cytogenetic location: 11q21.
Variant type: single nucleotide variant.
Coding change: c.382+4T>C on transcript NM_014679.5 (MANE Select); 4 bases into the intron after coding-DNA position 382, T replaced by C.
Molecular consequence: intron variant.
Genome position (GRCh38, 1-based): chr11:95,813,115, T>C. VCF-style: chr11-95813115-T-C. GRCh37 (hg19) VCF-style: chr11-95546279-T-C.
Other names: c.301+4T>C (NM_001363604.2); c.355+4T>C (NM_001243776.2); c.382+4T>C (NM_001243777.2).
Identifiers: ClinVar variation 852794 (VCV000852794.8), dbSNP rs572758334, ClinGen allele CA6239441.